The following is an entry in ClinVar:

ClinVar aggregate classification (germline): Benign/Likely benign. Review status: criteria provided, multiple submitters, no conflicts (2 of 4 stars). 3 submissions from 3 submitters: Benign (1); Likely benign (2). Last evaluated 2025-08-20.

Allele frequency attached by ClinVar (database versions not stated): ExAC 0.00002; gnomAD exomes 0.00002 and 0.00004; gnomAD 0.00005 and 0.00006; TOPMed 0.00005.
gnomAD v4.1: 31 of 1,612,888 alleles (0.0019%); highest among the groups gnomAD compares: East Asian, 0.011%; no homozygotes.

Submissions (3):

Labcorp Genetics (formerly Invitae), Labcorp
Classification: Benign. Last evaluated: 2025-08-20. Review status: criteria provided, single submitter. Criteria: Invitae Variant Classification Sherloc (09022015). Collection method: clinical testing. Allele origin: germline.

CeGaT Center for Human Genetics Tuebingen
Classification: Likely benign. Last evaluated: 2025-04-01. Review status: criteria provided, single submitter. Criteria: CeGaT Center For Human Genetics Tuebingen Variant Classification Criteria Version 2. Collection method: clinical testing. Allele origin: germline. Affected: yes. Observed: 1 variant allele.
Comment: CACNA1E: BP4, BP7

Blueprint Genetics
Classification: Likely benign. Last evaluated: 2023-10-30. Review status: criteria provided, single submitter. Criteria: ACMG Guidelines, 2015. Collection method: clinical testing. Allele origin: germline.

NM_001205293.3(CACNA1E):c.3147C>T (p.Ser1049=)

Gene: CACNA1E (calcium voltage-gated channel subunit alpha1 E; plus strand). Cytogenetic location: 1q25.3.
Variant type: single nucleotide variant.
Coding change: c.3147C>T on transcript NM_001205293.3 (MANE Select); coding-DNA position 3147, C replaced by T.
Protein change: p.Ser1049=; no amino-acid change (serine 1049 retained).
Molecular consequence: synonymous variant.
Genome position (GRCh38, 1-based): chr1:181,733,635, C>T. VCF-style: chr1-181733635-C-T. GRCh37 (hg19) VCF-style: chr1-181702771-C-T.
Other names: c.3147C>T, p.Ser1049= (NM_000721.4); c.3090C>T, p.Ser1030= (NM_001205294.2).
Identifiers: ClinVar variation 1348175 (VCV001348175.16), dbSNP rs750902818, ClinGen allele CA1275489.